The following is an entry in ClinVar:

ClinVar aggregate classification (germline): Likely benign. Review status: criteria provided, multiple submitters, no conflicts (2 of 4 stars). 2 submissions from 2 submitters: Likely benign (2). Last evaluated 2025-02-17.

Allele frequency attached by ClinVar (database versions not stated): gnomAD exomes 0.00007; ExAC 0.00013; 1000 Genomes Project 30x 0.00031; 1000 Genomes Project 0.00040; gnomAD 0.00052; ESP Exome Variant Server 0.00073.
gnomAD v4.1: 188 of 1,612,858 alleles (0.012%); highest among the groups gnomAD compares: African/African-American, 0.19%; 1 homozygote.

Submissions (2):

Labcorp Genetics (formerly Invitae), Labcorp
Classification: Likely benign. Last evaluated: 2025-02-17. Review status: criteria provided, single submitter. Criteria: Invitae Variant Classification Sherloc (09022015). Collection method: clinical testing. Allele origin: germline.

CeGaT Center for Human Genetics Tuebingen
Classification: Likely benign. Last evaluated: 2022-07-01. Review status: criteria provided, single submitter. Criteria: CeGaT Center For Human Genetics Tuebingen Variant Classification Criteria Version 2. Collection method: clinical testing. Allele origin: germline. Affected: yes. Observed: 1 variant allele.
Comment: FAT1: BP4, BP7

NM_005245.4(FAT1):c.10227G>A (p.Thr3409=)

Gene: FAT1 (FAT atypical cadherin 1; minus strand). Cytogenetic location: 4q35.2.
Variant type: single nucleotide variant.
Coding change: c.10227G>A on transcript NM_005245.4 (MANE Select); coding-DNA position 10227, G replaced by A.
Protein change: p.Thr3409=; no amino-acid change (threonine 3409 retained).
Molecular consequence: synonymous variant.
Genome position (GRCh38, 1-based): chr4:186,606,193, C>T on the plus strand (G>A on the coding strand, the complement: FAT1 is on the minus strand). VCF-style: chr4-186606193-C-T. GRCh37 (hg19) VCF-style: chr4-187527347-C-T.
Identifiers: ClinVar variation 2066243 (VCV002066243.28), dbSNP rs192760441, ClinGen allele CA3165424.